The following is an entry in ClinVar:

NM_004168.4(SDHA):c.202G>T (p.Gly68Cys)

Gene: SDHA (succinate dehydrogenase complex flavoprotein subunit A; plus strand). Cytogenetic location: 5p15.33.
Variant type: single nucleotide variant.
Coding change: c.202G>T on transcript NM_004168.4 (MANE Select); coding-DNA position 202, G replaced by T.
Protein change: p.Gly68Cys; replaces glycine 68 with cysteine.
Molecular consequence: missense variant.
Genome position (GRCh38, 1-based): chr5:224,411, G>T. VCF-style: chr5-224411-G-T. GRCh37 (hg19) VCF-style: chr5-224526-G-T.
Other names: c.202G>T, p.Gly68Cys (NM_001294332.2, NM_001330758.2); short protein forms G68C.
Identifiers: ClinVar variation 4161206 (VCV004161206.2).

ClinVar aggregate classification (germline): Uncertain significance (1 of 4 stars; one submission).

Conditions:
Hereditary cancer-predisposing syndrome. Also called: Neoplastic Syndromes, Hereditary; Tumor predisposition; Hereditary neoplastic syndrome; Hereditary Cancer Syndrome. Identifiers: Orphanet 140162, MedGen C0027672, MeSH D009386, MONDO:0015356.

Submission:

Ambry Genetics
Classification: Uncertain significance for Hereditary cancer-predisposing syndrome. Last evaluated: 2026-02-10. Review status: criteria provided, single submitter. Criteria: Ambry Variant Classification Scheme 2023. Collection method: clinical testing. Allele origin: germline.
Comment: The p.G68C variant (also known as c.202G>T), located in coding exon 3 of the SDHA gene, results from a G to T substitution at nucleotide position 202. The glycine at codon 68 is replaced by cysteine, an amino acid with highly dissimilar properties. This amino acid position is conserved. In addition, this alteration is predicted to be deleterious by in silico analysis. Based on the available evidence, the clinical significance of this variant remains unclear.